The following is an entry in ClinVar:

NM_003242.6(TGFBR2):c.1639C>G (p.Leu547Val)

Gene: TGFBR2 (transforming growth factor beta receptor 2; plus strand). Cytogenetic location: 3p24.1.
Variant type: single nucleotide variant.
Coding change: c.1639C>G on transcript NM_003242.6 (MANE Select); coding-DNA position 1639, C replaced by G.
Protein change: p.Leu547Val; replaces leucine 547 with valine.
Molecular consequence: missense variant.
Genome position (GRCh38, 1-based): chr3:30,691,534, C>G. VCF-style: chr3-30691534-C-G. GRCh37 (hg19) VCF-style: chr3-30733026-C-G.
Other names: c.1714C>G, p.Leu572Val (NM_001024847.3); c.1822C>G, p.Leu608Val (NM_001407126.1); c.1747C>G, p.Leu583Val (NM_001407127.1); c.1666C>G, p.Leu556Val (NM_001407128.1); c.1642C>G, p.Leu548Val (NM_001407129.1); c.1636C>G, p.Leu546Val (NM_001407130.1); c.1534C>G, p.Leu512Val (NM_001407132.1, NM_001407133.1, NM_001407134.1 and 2 more transcripts); c.1354C>G, p.Leu452Val (NM_001407137.1); and 2 more; short protein forms L572V, L547V, L257V, L546V, L583V, L608V, L427V, L548V.
Identifiers: ClinVar variation 837351 (VCV000837351.7), dbSNP rs752099306, ClinGen allele CA351809727.

ClinVar aggregate classification (germline): Uncertain significance (1 of 4 stars; one submission).

Conditions:
Familial thoracic aortic aneurysm and aortic dissection (TAAD). Also called: Thoracic aortic aneurysms and dissections. Identifiers: Orphanet 91387, MedGen C4707243, MONDO:0019625.

gnomAD v4.1: 1 of 1,614,150 alleles (0.000062%); no homozygotes.

Submission:

Labcorp Genetics (formerly Invitae), Labcorp
Classification: Uncertain significance for Familial thoracic aortic aneurysm and aortic dissection. Last evaluated: 2019-12-05. Review status: criteria provided, single submitter. Criteria: Invitae Variant Classification Sherloc (09022015). Collection method: clinical testing. Allele origin: germline.
Comment: In summary, the available evidence is currently insufficient to determine the role of this variant in disease. Therefore, it has been classified as a Variant of Uncertain Significance. Algorithms developed to predict the effect of missense changes on protein structure and function are either unavailable or do not agree on the potential impact of this missense change (SIFT: "Deleterious"; PolyPhen-2: "Possibly Damaging"; Align-GVGD: "Class C0"). This variant has not been reported in the literature in individuals with TGFBR2-related conditions. This variant is not present in population databases (ExAC no frequency). This sequence change replaces leucine with valine at codon 547 of the TGFBR2 protein (p.Leu547Val). The leucine residue is highly conserved and there is a small physicochemical difference between leucine and valine.